The following is an entry in ClinVar:

ClinVar aggregate classification (germline): Uncertain significance (1 of 4 stars; one submission).

Submission:

GeneDx
Classification: Uncertain significance. Last evaluated: 2025-02-03. Review status: criteria provided, single submitter. Criteria: GeneDx Variant Classification Process June 2021. Collection method: clinical testing. Allele origin: germline. Affected: yes.
Comment: Not observed at significant frequency in large population cohorts (gnomAD); In silico analysis indicates that this missense variant does not alter protein structure/function; Has not been previously published as pathogenic or benign to our knowledge

NM_024408.4(NOTCH2):c.1808T>C (p.Ile603Thr)

Gene: NOTCH2 (notch receptor 2; minus strand). Cytogenetic location: 1p12.
Variant type: single nucleotide variant.
Coding change: c.1808T>C on transcript NM_024408.4 (MANE Select); coding-DNA position 1808, T replaced by C.
Protein change: p.Ile603Thr; replaces isoleucine 603 with threonine.
Molecular consequence: missense variant.
Genome position (GRCh38, 1-based): chr1:119,963,681, A>G on the plus strand (T>C on the coding strand, the complement: NOTCH2 is on the minus strand). VCF-style: chr1-119963681-A-G. GRCh37 (hg19) VCF-style: chr1-120506304-A-G.
Other names: c.1808T>C, p.Ile603Thr (NM_001200001.2); short protein forms I603T.
Identifiers: ClinVar variation 4072561 (VCV004072561.1).